The following is an entry in ClinVar:

ClinVar aggregate classification (germline): Uncertain significance (1 of 4 stars; one submission).

gnomAD v4.1: 1 of 1,610,422 alleles (0.000062%); highest among the groups gnomAD compares: Admixed American, 0.0017%; no homozygotes.

Submission:

Labcorp Genetics (formerly Invitae), Labcorp
Classification: Uncertain significance. Last evaluated: 2022-07-26. Review status: criteria provided, single submitter. Criteria: Invitae Variant Classification Sherloc (09022015). Collection method: clinical testing. Allele origin: germline.
Comment: This sequence change replaces serine, which is neutral and polar, with cysteine, which is neutral and slightly polar, at codon 20 of the RXYLT1 protein (p.Ser20Cys). This variant is not present in population databases (gnomAD no frequency). This variant has not been reported in the literature in individuals affected with RXYLT1-related conditions. Algorithms developed to predict the effect of missense changes on protein structure and function are either unavailable or do not agree on the potential impact of this missense change (SIFT: "Deleterious"; PolyPhen-2: "Probably Damaging"; Align-GVGD: "Class C0"). In summary, the available evidence is currently insufficient to determine the role of this variant in disease. Therefore, it has been classified as a Variant of Uncertain Significance.

NM_014254.3(RXYLT1):c.59C>G (p.Ser20Cys)

Gene: RXYLT1 (ribitol xylosyltransferase 1; plus strand). Cytogenetic location: 12q14.2.
Variant type: single nucleotide variant.
Coding change: c.59C>G on transcript NM_014254.3 (MANE Select); coding-DNA position 59, C replaced by G.
Protein change: p.Ser20Cys; replaces serine 20 with cysteine.
Molecular consequence: missense variant. On other transcripts: 5 prime UTR variant (1).
Genome position (GRCh38, 1-based): chr12:63,780,019, C>G. VCF-style: chr12-63780019-C-G. GRCh37 (hg19) VCF-style: chr12-64173799-C-G.
Other names: c.-1055C>G (NM_001278237.2); short protein forms S20C.
Identifiers: ClinVar variation 2172189 (VCV002172189.1), dbSNP rs773907745, ClinGen allele CA385583845.